The following is an entry in ClinVar:

NM_014915.3(ANKRD26):c.1697A>T (p.Asp566Val)

Gene: ANKRD26 (ankyrin repeat domain 26; minus strand). Cytogenetic location: 10p12.1.
Variant type: single nucleotide variant.
Coding change: c.1697A>T on transcript NM_014915.3 (MANE Select); coding-DNA position 1697, A replaced by T.
Protein change: p.Asp566Val; replaces aspartic acid 566 with valine.
Molecular consequence: missense variant.
Genome position (GRCh38, 1-based): chr10:27,048,918, T>A on the plus strand (A>T on the coding strand, the complement: ANKRD26 is on the minus strand). VCF-style: chr10-27048918-T-A. GRCh37 (hg19) VCF-style: chr10-27337847-T-A.
Other names: c.1697A>T, p.Asp566Val (NM_001256053.2); short protein forms D566V.
Identifiers: ClinVar variation 3016433 (VCV003016433.5), dbSNP rs765079619, ClinGen allele CA376354086.

ClinVar aggregate classification (germline): Uncertain significance. Review status: criteria provided, multiple submitters, no conflicts (2 of 4 stars). 3 submissions from 3 submitters: Uncertain significance (3). Last evaluated 2025-09-10.

Conditions:
Inborn genetic diseases. Identifiers: MedGen C0950123, MeSH D030342.

gnomAD v4.1: 6 of 1,611,884 alleles (0.00037%); no homozygotes.

Submissions (3):

Labcorp Genetics (formerly Invitae), Labcorp
Classification: Uncertain significance. Last evaluated: 2025-09-10. Review status: criteria provided, single submitter. Criteria: Invitae Variant Classification Sherloc (09022015). Collection method: clinical testing. Allele origin: germline.
Comment: This sequence change replaces aspartic acid, which is acidic and polar, with valine, which is neutral and non-polar, at codon 566 of the ANKRD26 protein (p.Asp566Val). This variant is not present in population databases (gnomAD no frequency). This variant has not been reported in the literature in individuals affected with ANKRD26-related conditions. ClinVar contains an entry for this variant (Variation ID: 3016433). An algorithm developed to predict the effect of missense changes on protein structure and function outputs the following: PolyPhen-2: "Benign". The valine amino acid residue is found in multiple mammalian species, which suggests that this missense change does not adversely affect protein function. In summary, the available evidence is currently insufficient to determine the role of this variant in disease. Therefore, it has been classified as a Variant of Uncertain Significance.

Ambry Genetics
Classification: Uncertain significance for Inborn genetic diseases. Last evaluated: 2024-12-04. Review status: criteria provided, single submitter. Criteria: Ambry Variant Classification Scheme 2023. Collection method: clinical testing. Allele origin: germline.
Comment: The p.D566V variant (also known as c.1697A>T), located in coding exon 17 of the ANKRD26 gene, results from an A to T substitution at nucleotide position 1697. The aspartic acid at codon 566 is replaced by valine, an amino acid with highly dissimilar properties. This amino acid position is conserved. In addition, this alteration is predicted to be tolerated by in silico analysis. Based on the available evidence, the clinical significance of this variant remains unclear.

GeneDx
Classification: Uncertain significance. Last evaluated: 2024-02-02. Review status: criteria provided, single submitter. Criteria: GeneDx Variant Classification Process June 2021. Collection method: clinical testing. Allele origin: germline. Affected: yes.
Comment: Not observed at significant frequency in large population cohorts (gnomAD); In silico analysis supports that this missense variant has a deleterious effect on protein structure/function; Has not been previously published as pathogenic or benign to our knowledge